The following is an entry in ClinVar:

NM_000492.4(CFTR):c.996C>G (p.Ile332Met)

Gene: CFTR (CF transmembrane conductance regulator; plus strand). Cytogenetic location: 7q31.2.
Variant type: single nucleotide variant.
Coding change: c.996C>G on transcript NM_000492.4 (MANE Select); coding-DNA position 996, C replaced by G.
Protein change: p.Ile332Met; replaces isoleucine 332 with methionine.
Molecular consequence: missense variant.
Genome position (GRCh38, 1-based): chr7:117,540,226, C>G. VCF-style: chr7-117540226-C-G. GRCh37 (hg19) VCF-style: chr7-117180280-C-G.
Other names: short protein forms I332M.
Identifiers: ClinVar variation 5034461 (VCV005034461.1).

ClinVar aggregate classification (germline): Uncertain significance (1 of 4 stars; one submission).

Conditions:
Cystic fibrosis (CF). Also called: MUCOVISCIDOSIS. Identifiers: Orphanet 586, MedGen C0010674, MONDO:0009061, OMIM 219700. Disease mechanism: loss of function.

Submission:

Ambry Genetics
Classification: Uncertain significance for Cystic fibrosis. Last evaluated: 2026-08-04. Review status: criteria provided, single submitter. Criteria: Ambry Variant Classification Scheme 2023. Collection method: clinical testing. Allele origin: germline.
Comment: The p.I332M variant (also known as c.996C>G), located in coding exon 8 of the CFTR gene, results from a C to G substitution at nucleotide position 996. The isoleucine at codon 332 is replaced by methionine, an amino acid with highly similar properties. This amino acid position is conserved. In addition, the in silico prediction for this alteration is inconclusive. Based on the available evidence, the clinical significance of this variant remains unclear.